The following is an entry in ClinVar:

NM_004621.6(TRPC6):c.253_264dup (p.Ala85_Phe88dup)

Gene: TRPC6 (transient receptor potential cation channel subfamily C member 6; minus strand). Cytogenetic location: 11q22.1.
Variant type: Duplication.
Coding change: c.253_264dup on transcript NM_004621.6 (MANE Select); coding-DNA positions 253 to 264, 12 bases duplicated (GCATACATGTTT).
Protein change: p.Ala85_Phe88dup.
Molecular consequence: inframe insertion.
Genome position (GRCh38, 1-based): chr11:101,504,705-101,504,716, AAACATGTATGC duplicated on the plus strand (GCATACATGTTT on the coding strand, the reverse complement: TRPC6 is on the minus strand). VCF-style (leftmost placement, unchanged base first): chr11-101504704-T-TAAACATGTATGC. GRCh37 (hg19) VCF-style: chr11-101375435-T-TAAACATGTATGC.
Other names: c.253_264dup12 (NM_004621.5).
Identifiers: ClinVar variation 1081241 (VCV001081241.12), dbSNP rs778276152, ClinGen allele CA6244557.

ClinVar aggregate classification (germline): Likely benign. Review status: criteria provided, multiple submitters, no conflicts (2 of 4 stars). 3 submissions from 3 submitters: Likely benign (2). 1 of the submissions does not count toward it. Last evaluated 2025-09-02.

Conditions:
Focal segmental glomerulosclerosis 2 (FSGS2). Identifiers: Orphanet 656, MedGen C1858915, MONDO:0011390, OMIM 603965.
TRPC6-related disorder. Also called: TRPC6-related condition.

Allele frequency attached by ClinVar (database versions not stated): gnomAD 0.00029 and 0.00030; gnomAD exomes 0.00039 and 0.00040; ExAC 0.00058.

Submissions (3):

Labcorp Genetics (formerly Invitae), Labcorp
Classification: Likely benign. Last evaluated: 2025-09-02. Review status: criteria provided, single submitter. Criteria: Invitae Variant Classification Sherloc (09022015). Collection method: clinical testing. Allele origin: germline.

Fulgent Genetics
Classification: Likely benign for Focal segmental glomerulosclerosis 2. Last evaluated: 2022-01-10. Review status: criteria provided, single submitter. Criteria: ACMG Guidelines, 2015. Collection method: clinical testing. Allele origin: unknown.

PreventionGenetics, part of Exact Sciences
Classification: Likely benign for TRPC6-related condition. Last evaluated: 2022-12-19. Review status: no assertion criteria provided. Collection method: clinical testing. Allele origin: germline. Not counted in ClinVar's aggregate classification.
Comment: This variant is classified as likely benign based on ACMG/AMP sequence variant interpretation guidelines (Richards et al. 2015 PMID: 25741868, with internal and published modifications).